The following is an entry in ClinVar:

NM_000179.3(MSH6):c.2272C>G (p.Leu758Val)

Gene: MSH6 (mutS homolog 6; plus strand). Cytogenetic location: 2p16.3.
Variant type: single nucleotide variant.
Coding change: c.2272C>G on transcript NM_000179.3 (MANE Select); coding-DNA position 2272, C replaced by G.
Protein change: p.Leu758Val; replaces leucine 758 with valine.
Molecular consequence: missense variant.
Genome position (GRCh38, 1-based): chr2:47,800,255, C>G. VCF-style: chr2-47800255-C-G. GRCh37 (hg19) VCF-style: chr2-48027394-C-G.
Other names: c.1882C>G, p.Leu628Val (NM_001281492.2); c.1366C>G, p.Leu456Val (NM_001281493.2, NM_001281494.2); short protein forms L758V, L456V, L628V.
Identifiers: ClinVar variation 439202 (VCV000439202.14), dbSNP rs56371757, ClinGen allele CA346752834.

ClinVar aggregate classification (germline): Uncertain significance. Review status: criteria provided, multiple submitters, no conflicts (2 of 4 stars). 4 submissions from 4 submitters: Uncertain significance (4). Last evaluated 2020-12-15.

Conditions:
Hereditary cancer-predisposing syndrome. Also called: Hereditary neoplastic syndrome; Hereditary Cancer Syndrome; Tumor predisposition; Neoplastic Syndromes, Hereditary. Identifiers: Orphanet 140162, MedGen C0027672, MeSH D009386, MONDO:0015356.
Hereditary nonpolyposis colorectal neoplasms. Identifiers: MedGen C0009405, MeSH D003123.

Submissions (4):

Labcorp Genetics (formerly Invitae), Labcorp
Classification: Uncertain significance for Hereditary nonpolyposis colorectal neoplasms. Last evaluated: 2020-12-15. Review status: criteria provided, single submitter. Criteria: Invitae Variant Classification Sherloc (09022015). Collection method: clinical testing. Allele origin: germline.
Comment: In summary, the available evidence is currently insufficient to determine the role of this variant in disease. Therefore, it has been classified as a Variant of Uncertain Significance. Algorithms developed to predict the effect of missense changes on protein structure and function (SIFT, PolyPhen-2, Align-GVGD) all suggest that this variant is likely to be disruptive, but these predictions have not been confirmed by published functional studies and their clinical significance is uncertain. This variant has not been reported in the literature in individuals with MSH6-related conditions. ClinVar contains an entry for this variant (Variation ID: 439202). This variant is not present in population databases (ExAC no frequency). This sequence change replaces leucine with valine at codon 758 of the MSH6 protein (p.Leu758Val). The leucine residue is highly conserved and there is a small physicochemical difference between leucine and valine.

Ambry Genetics
Classification: Uncertain significance for Hereditary cancer-predisposing syndrome. Last evaluated: 2020-11-09. Review status: criteria provided, single submitter. Criteria: Ambry Variant Classification Scheme 2023. Collection method: clinical testing. Allele origin: germline.
Comment: The p.L758V variant (also known as c.2272C>G), located in coding exon 4 of the MSH6 gene, results from a C to G substitution at nucleotide position 2272. The leucine at codon 758 is replaced by valine, an amino acid with highly similar properties. This amino acid position is highly conserved in available vertebrate species. In addition, this alteration is predicted to be deleterious by in silico analysis. Since supporting evidence is limited at this time, the clinical significance of this alteration remains unclear.

Color Diagnostics, LLC DBA Color Health
Classification: Uncertain significance for Hereditary cancer-predisposing syndrome. Last evaluated: 2018-12-12. Review status: criteria provided, single submitter. Criteria: ACMG Guidelines, 2015. Collection method: clinical testing. Allele origin: germline.

Quest Diagnostics Nichols Institute San Juan Capistrano
Classification: Uncertain significance. Last evaluated: 2017-05-28. Review status: criteria provided, single submitter. Criteria: Quest Diagnostics criteria. Collection method: clinical testing. Allele origin: germline.